The following is an entry in ClinVar:

ClinVar aggregate classification (germline): Benign/Likely benign. Review status: criteria provided, multiple submitters, no conflicts (2 of 4 stars). 3 submissions from 3 submitters: Benign (2); Likely benign (1). Last evaluated 2026-01-11.

Allele frequency attached by ClinVar (database versions not stated): gnomAD exomes 0.00187; ExAC 0.00211; 1000 Genomes Project 0.00519; 1000 Genomes Project 30x 0.00625; gnomAD 0.00736 and 0.00787; TOPMed 0.00791; ESP Exome Variant Server 0.00847.

Submissions (3):

Labcorp Genetics (formerly Invitae), Labcorp
Classification: Benign. Last evaluated: 2026-01-11. Review status: criteria provided, single submitter. Criteria: Invitae Variant Classification Sherloc (09022015). Collection method: clinical testing. Allele origin: germline.

Women's Health and Genetics/Laboratory Corporation of America, LabCorp
Classification: Benign. Last evaluated: 2019-09-16. Review status: criteria provided, single submitter. Criteria: LabCorp Variant Classification Summary - May 2015. Collection method: clinical testing. Allele origin: germline.
Comment: Variant summary: APOC3 c.180-16C>T alters a non-conserved nucleotide located close to a canonical splice site and therefore could affect mRNA splicing, leading to a significantly altered protein sequence. 5/5 computational tools predict no significant impact on normal splicing. However, these predictions have yet to be confirmed by functional studies. The variant allele was found at a frequency of 0.0019 in 250338 control chromosomes in the gnomAD database (exomes dataset), including 6 homozygotes. The observed variant frequency is approximately 90-fold of the estimated maximal expected allele frequency for a pathogenic variant in APOC3 causing Early Onset Coronary Artery Disease phenotype (2e-05), strongly suggesting that the variant is benign. To our knowledge, no occurrence of c.180-16C>T in individuals affected with Early Onset Coronary Artery Disease and no experimental evidence demonstrating its impact on protein function have been reported. No clinical diagnostic laboratories have submitted clinical-significance assessments for this variant to ClinVar after 2014. Based on the evidence outlined above, the variant was classified as benign.

GeneDx
Classification: Likely benign. Last evaluated: 2019-05-04. Review status: criteria provided, single submitter. Criteria: GeneDx Variant Classification Process June 2021. Collection method: clinical testing. Allele origin: germline. Affected: yes.

NM_000040.3(APOC3):c.180-16C>T

Gene: APOC3 (apolipoprotein C3; plus strand). Cytogenetic location: 11q23.3.
Variant type: single nucleotide variant.
Coding change: c.180-16C>T on transcript NM_000040.3 (MANE Select); 16 bases into the intron before coding-DNA position 180, C replaced by T.
Molecular consequence: intron variant.
Genome position (GRCh38, 1-based): chr11:116,832,748, C>T. VCF-style: chr11-116832748-C-T. GRCh37 (hg19) VCF-style: chr11-116703464-C-T.
Identifiers: ClinVar variation 929163 (VCV000929163.12), dbSNP rs5129, ClinGen allele CA6289681.